The following is an entry in ClinVar:

ClinVar aggregate classification (germline): Benign/Likely benign. Review status: criteria provided, multiple submitters, no conflicts (2 of 4 stars). 10 submissions from 10 submitters: Benign (2); Likely benign (5). 3 of the submissions do not count toward it. Last evaluated 2026-02-04.

Conditions:
Rhabdoid tumor predisposition syndrome 2 (RTPS2). Identifiers: Orphanet 231108, Orphanet 69077, MedGen C2750074, MONDO:0013224, OMIM 613325.
Intellectual disability, autosomal dominant 16 (CSS4). Also called: COFFIN-SIRIS SYNDROME 4. Identifiers: Orphanet 1465, MedGen C3553249, MONDO:0013821, OMIM 614609.
Hereditary cancer-predisposing syndrome. Also called: Tumor predisposition; Neoplastic Syndromes, Hereditary; Hereditary neoplastic syndrome; Hereditary Cancer Syndrome. Identifiers: Orphanet 140162, MedGen C0027672, MeSH D009386, MONDO:0015356.

Allele frequency attached by ClinVar (database versions not stated): TOPMed 0.00282; ESP Exome Variant Server 0.00308; ExAC 0.00498; 1000 Genomes Project 0.00120; 1000 Genomes Project 30x 0.00141.

Submissions (10):

Labcorp Genetics (formerly Invitae), Labcorp
Classification: Benign for Rhabdoid tumor predisposition syndrome 2. Last evaluated: 2026-02-04. Review status: criteria provided, single submitter. Criteria: Invitae Variant Classification Sherloc (09022015). Collection method: clinical testing. Allele origin: germline.

Blueprint Genetics
Classification: Likely benign. Last evaluated: 2024-11-27. Review status: criteria provided, single submitter. Criteria: ACMG Guidelines, 2015. Collection method: clinical testing. Allele origin: germline.

ARUP Laboratories, Molecular Genetics and Genomics, ARUP Laboratories
Classification: Benign. Last evaluated: 2024-06-06. Review status: criteria provided, single submitter. Criteria: ARUP Molecular Germline Variant Investigation Process 2024. Collection method: clinical testing. Allele origin: germline.

Fulgent Genetics
Classification: Likely benign for Rhabdoid tumor predisposition syndrome 2; Intellectual disability, autosomal dominant 16. Last evaluated: 2022-05-25. Review status: criteria provided, single submitter. Criteria: ACMG Guidelines, 2015. Collection method: clinical testing. Allele origin: unknown.

GeneDx
Classification: Likely benign. Last evaluated: 2017-12-01. Review status: criteria provided, single submitter. Criteria: GeneDx Variant Classification (06012015). Collection method: clinical testing. Allele origin: germline. Affected: yes.
Comment: This variant is considered likely benign or benign based on one or more of the following criteria: it is a conservative change, it occurs at a poorly conserved position in the protein, it is predicted to be benign by multiple in silico algorithms, and/or has population frequency not consistent with disease.

Center for Pediatric Genomic Medicine, Children's Mercy Hospital and Clinics
Classification: Likely benign. Last evaluated: 2017-09-25. Review status: criteria provided, single submitter. Criteria: ACMG Guidelines, 2015. Collection method: clinical testing. Allele origin: germline.

Ambry Genetics
Classification: Likely benign for Hereditary cancer-predisposing syndrome. Last evaluated: 2015-08-12. Review status: criteria provided, single submitter. Criteria: Ambry Variant Classification Scheme 2023. Collection method: clinical testing. Allele origin: germline.

Diagnostic Laboratory, Department of Genetics, University Medical Center Groningen
Classification: Likely benign. Review status: no assertion criteria provided. Collection method: clinical testing. Allele origin: germline. Affected: yes. Study: VKGL Data-share Consensus. Not counted in ClinVar's aggregate classification.

Genome Diagnostics Laboratory, Amsterdam University Medical Center
Classification: Likely benign. Review status: no assertion criteria provided. Collection method: clinical testing. Allele origin: germline. Affected: yes. Study: VKGL Data-share Consensus. Not counted in ClinVar's aggregate classification.

Laboratory of Diagnostic Genome Analysis, Leiden University Medical Center (LUMC)
Classification: Likely benign. Review status: no assertion criteria provided. Collection method: clinical testing. Allele origin: germline. Affected: yes. Study: VKGL Data-share Consensus. Not counted in ClinVar's aggregate classification.

NM_003072.5(SMARCA4):c.4170+17C>T

Gene: SMARCA4 (SWI/SNF related BAF chromatin remodeling complex subunit ATPase 4; plus strand). Cytogenetic location: 19p13.2.
Variant type: single nucleotide variant.
Coding change: c.4170+17C>T on transcript NM_003072.5 (MANE Select); 17 bases into the intron after coding-DNA position 4170, C replaced by T.
Molecular consequence: intron variant.
Genome position (GRCh38, 1-based): chr19:11,035,149, C>T. VCF-style: chr19-11035149-C-T. GRCh37 (hg19) VCF-style: chr19-11145825-C-T.
Other names: c.4170+17C>T (NM_001128844.3, NM_001128849.3, NM_001387283.1); c.4071+17C>T (NM_001128847.4, NM_001374457.1, NM_001128845.2 and 2 more transcripts).
Identifiers: ClinVar variation 380708 (VCV000380708.20), dbSNP rs145829956, ClinGen allele CA9204602.